The following is an entry in ClinVar:

NM_000102.4(CYP17A1):c.1019G>A (p.Arg340His)

Gene: CYP17A1 (cytochrome P450 family 17 subfamily A member 1; minus strand). Cytogenetic location: 10q24.32.
Variant type: single nucleotide variant.
Coding change: c.1019G>A on transcript NM_000102.4 (MANE Select); coding-DNA position 1019, G replaced by A.
Protein change: p.Arg340His; replaces arginine 340 with histidine.
Molecular consequence: missense variant.
Genome position (GRCh38, 1-based): chr10:102,832,631, C>T on the plus strand (G>A on the coding strand, the complement: CYP17A1 is on the minus strand). VCF-style: chr10-102832631-C-T. GRCh37 (hg19) VCF-style: chr10-104592388-C-T.
Other names: short protein forms R340H.
Identifiers: ClinVar variation 877970 (VCV000877970.7), dbSNP rs765987481, ClinGen allele CA5669414.

ClinVar aggregate classification (germline): Conflicting classifications of pathogenicity. Review status: criteria provided, conflicting classifications (1 of 4 stars). 2 submissions from 2 submitters: Likely pathogenic (1); Uncertain significance (1). Last evaluated 2025-09-10.

Conditions:
Deficiency of steroid 17-alpha-monooxygenase. Also called: ADRENAL HYPERPLASIA V; Congenital adrenal hyperplasia due to 17-alpha-hydroxylase deficiency; Congenital adrenal hyperplasia type 5; 17-ALPHA-HYDROXYLASE DEFICIENCY; 17-alpha-hydroxylase/17,20-lyase deficiency. Identifiers: Orphanet 90793, MedGen C0268285, MONDO:0008730, OMIM 202110.

Allele frequency attached by ClinVar (database versions not stated): ExAC 0.00002; gnomAD 0.00003; gnomAD exomes 0.00003 and 0.00008; TOPMed 0.00003.
gnomAD v4.1: 117 of 1,604,984 alleles (0.0073%); highest among the groups gnomAD compares: Non-Finnish European, 0.009%; no homozygotes.

Submissions (2):

Natera, Inc.
Classification: Likely pathogenic for Deficiency of steroid 17-alpha-monooxygenase. Last evaluated: 2025-09-10. Review status: criteria provided, single submitter. Criteria: Natera Variant Classification Schema (03/2026). Collection method: clinical testing. Allele origin: germline.
Comment: The c.1019G>A variant in CYP17A1 is a missense variant predicted to cause substitution of arginine to histidine at amino acid 340. This variant is rare in the general population with a frequency below the threshold expected for the associated phenotype(s). This variant has been observed in one or more individuals affected with the associated recessive disease, as either homozygous or compound heterozygous with a second variant (PMID: 34097983). This variant has been identified in one or more affected individual with a phenotype highly consistent with the associated gene (PMID: 34097983). Computational prediction algorithms indicate this variant is likely to affect gene or protein function. Given the available evidence, this variant is classified as Likely Pathogenic.

Illumina Laboratory Services, Illumina
Classification: Uncertain significance for Deficiency of steroid 17-alpha-monooxygenase. Last evaluated: 2017-04-27. Review status: criteria provided, single submitter. Criteria: ICSL Variant Classification Criteria 13 December 2019. Collection method: clinical testing. Allele origin: germline.

Literature cited by the submitters: PubMed 34097983 (cited by Natera, Inc.).